The following is an entry in ClinVar:

NM_001197104.2(KMT2A):c.468A>T (p.Glu156Asp)

Gene: KMT2A (lysine methyltransferase 2A; plus strand). Cytogenetic location: 11q23.3.
Variant type: single nucleotide variant.
Coding change: c.468A>T on transcript NM_001197104.2 (MANE Select); coding-DNA position 468, A replaced by T.
Protein change: p.Glu156Asp; replaces glutamic acid 156 with aspartic acid.
Molecular consequence: missense variant.
Genome position (GRCh38, 1-based): chr11:118,468,810, A>T. VCF-style: chr11-118468810-A-T. GRCh37 (hg19) VCF-style: chr11-118339525-A-T.
Other names: c.468A>T, p.Glu156Asp (NM_005933.4); c.567A>T, p.Glu189Asp (NM_001412597.1); short protein forms E156D, E189D.
Identifiers: ClinVar variation 3361810 (VCV003361810.3).

ClinVar aggregate classification (germline): Uncertain significance. Review status: criteria provided, multiple submitters, no conflicts (2 of 4 stars). 2 submissions from 2 submitters: Uncertain significance (2). Last evaluated 2024-02-02.

Submissions (2):

Labcorp Genetics (formerly Invitae), Labcorp
Classification: Uncertain significance. Last evaluated: 2024-02-02. Review status: criteria provided, single submitter. Criteria: Invitae Variant Classification Sherloc (09022015). Collection method: clinical testing. Allele origin: germline.
Comment: This sequence change replaces glutamic acid, which is acidic and polar, with aspartic acid, which is acidic and polar, at codon 156 of the KMT2A protein (p.Glu156Asp). This variant is not present in population databases (gnomAD no frequency). This variant has not been reported in the literature in individuals affected with KMT2A-related conditions. Advanced modeling of protein sequence and biophysical properties (such as structural, functional, and spatial information, amino acid conservation, physicochemical variation, residue mobility, and thermodynamic stability) performed at Invitae indicates that this missense variant is not expected to disrupt KMT2A protein function with a negative predictive value of 95%. In summary, the available evidence is currently insufficient to determine the role of this variant in disease. Therefore, it has been classified as a Variant of Uncertain Significance.

GeneDx
Classification: Uncertain significance. Last evaluated: 2023-07-27. Review status: criteria provided, single submitter. Criteria: GeneDx Variant Classification Process June 2021. Collection method: clinical testing. Allele origin: germline. Affected: yes.
Comment: Not observed at significant frequency in large population cohorts (gnomAD); In silico analysis supports that this missense variant does not alter protein structure/function; Has not been previously published as pathogenic or benign to our knowledge